The following is an entry in ClinVar:

NM_000038.6(APC):c.2190G>A (p.Met730Ile)

Gene: APC (APC regulator of Wnt signaling pathway; plus strand). Cytogenetic location: 5q22.2.
Variant type: single nucleotide variant.
Coding change: c.2190G>A on transcript NM_000038.6 (MANE Select); coding-DNA position 2190, G replaced by A.
Protein change: p.Met730Ile; replaces methionine 730 with isoleucine.
Molecular consequence: missense variant.
Genome position (GRCh38, 1-based): chr5:112,837,784, G>A. VCF-style: chr5-112837784-G-A. GRCh37 (hg19) VCF-style: chr5-112173481-G-A.
Other names: c.2190G>A, p.Met730Ile (NM_001127510.3, NM_001354895.2); c.2136G>A, p.Met712Ile (NM_001127511.3); c.2244G>A, p.Met748Ile (NM_001354896.2); c.2220G>A, p.Met740Ile (NM_001354897.2); c.2115G>A, p.Met705Ile (NM_001354898.2); c.2106G>A, p.Met702Ile (NM_001354899.2); c.2067G>A, p.Met689Ile (NM_001354900.2); c.2013G>A, p.Met671Ile (NM_001354901.2); and 5 more; short protein forms M712I, M730I, M570I, M639I, M748I, M604I, M705I, M447I.
Identifiers: ClinVar variation 559954 (VCV000559954.27), dbSNP rs1281171015, ClinGen allele CA16026129.

ClinVar aggregate classification (germline): Uncertain significance. Review status: criteria provided, multiple submitters, no conflicts (2 of 4 stars). 8 submissions from 8 submitters: Uncertain significance (7). 1 of the submissions does not count toward it. Last evaluated 2025-09-10.

Conditions:
Classic or attenuated familial adenomatous polyposis. Identifiers: MedGen CN372698, MONDO:0021057.
Hereditary cancer-predisposing syndrome. Also called: Hereditary neoplastic syndrome; Neoplastic Syndromes, Hereditary; Tumor predisposition; Hereditary Cancer Syndrome. Identifiers: Orphanet 140162, MedGen C0027672, MeSH D009386, MONDO:0015356.
Neoplasm of stomach. Also called: Neoplasm of the stomach; Gastric neoplasm; Stomach Neoplasms. Identifiers: MedGen C0038356, MONDO:0021085, HP:0006753. Disease mechanism: gain of function. Inheritance: Somatic mutation.
Familial adenomatous polyposis 1 (FAP1). Also called: FAMILIAL ADENOMATOUS POLYPOSIS 1, ATTENUATED; POLYPOSIS, ADENOMATOUS INTESTINAL. Identifiers: MedGen C2713442, MONDO:0021056, OMIM 175100. Disease mechanism: loss of function.

Allele frequency attached by ClinVar (database versions not stated): gnomAD exomes below 0.00001; TOPMed 0.00001.
gnomAD v4.1: 1 of 1,614,022 alleles (0.000062%); highest among the groups gnomAD compares: Admixed American, 0.0017%; no homozygotes.

Submissions (8):

Labcorp Genetics (formerly Invitae), Labcorp
Classification: Uncertain significance for Familial adenomatous polyposis 1. Last evaluated: 2025-09-10. Review status: criteria provided, single submitter. Criteria: Invitae Variant Classification Sherloc (09022015). Collection method: clinical testing. Allele origin: germline.
Comment: This sequence change replaces methionine, which is neutral and non-polar, with isoleucine, which is neutral and non-polar, at codon 730 of the APC protein (p.Met730Ile). This variant is present in population databases (no rsID available, gnomAD 0.003%). This variant has not been reported in the literature in individuals affected with APC-related conditions. ClinVar contains an entry for this variant (Variation ID: 559954). Invitae Evidence Modeling of protein sequence and biophysical properties (such as structural, functional, and spatial information, amino acid conservation, physicochemical variation, residue mobility, and thermodynamic stability) indicates that this missense variant is not expected to disrupt APC protein function with a negative predictive value of 95%. In summary, the available evidence is currently insufficient to determine the role of this variant in disease. Therefore, it has been classified as a Variant of Uncertain Significance.

Color Diagnostics, LLC DBA Color Health
Classification: Uncertain significance for Hereditary cancer-predisposing syndrome. Last evaluated: 2025-03-31. Review status: criteria provided, single submitter. Criteria: ACMG Guidelines, 2015. Collection method: clinical testing. Allele origin: germline.
Comment: This missense variant replaces methionine with isoleucine at codon 730 of the APC protein. Computational prediction suggests that this variant may not impact protein structure and function. To our knowledge, functional studies have not been reported for this variant. This variant has not been reported in individuals affected with APC-related disorders in the literature. This variant has been identified in 1/250106 chromosomes in the general population by the Genome Aggregation Database (gnomAD). The available evidence is insufficient to determine the role of this variant in disease conclusively. Therefore, this variant is classified as a Variant of Uncertain Significance.

Ambry Genetics
Classification: Uncertain significance for Hereditary cancer-predisposing syndrome. Last evaluated: 2024-11-18. Review status: criteria provided, single submitter. Criteria: Ambry Variant Classification Scheme 2023. Collection method: clinical testing. Allele origin: germline.
Comment: The p.M730I variant (also known as c.2190G>A), located in coding exon 15 of the APC gene, results from a G to A substitution at nucleotide position 2190. The methionine at codon 730 is replaced by isoleucine, an amino acid with highly similar properties. This amino acid position is highly conserved in available vertebrate species. Missense alterations in APC are not a common cause of disease (Spier I et al. Genet Med. 2024 Feb;26(2):100992). In addition, in silico predictors for this gene do not accurately predict pathogenicity. Since supporting evidence is limited at this time, the clinical significance of this alteration remains unclear.

Baylor Genetics
Classification: Uncertain significance for Familial adenomatous polyposis 1. Last evaluated: 2024-03-24. Review status: criteria provided, single submitter. Criteria: ACMG Guidelines, 2015. Collection method: clinical testing. Allele origin: unknown.

GeneDx
Classification: Uncertain significance. Last evaluated: 2024-02-21. Review status: criteria provided, single submitter. Criteria: GeneDx Variant Classification Process June 2021. Collection method: clinical testing. Allele origin: germline. Affected: yes.
Comment: Not observed at significant frequency in large population cohorts (gnomAD); In silico analysis supports that this missense variant does not alter protein structure/function; Has not been previously published as pathogenic or benign to our knowledge; This variant is associated with the following publications: (PMID: 18199528)

All of Us Research Program, National Institutes of Health
Classification: Uncertain significance for Classic or attenuated familial adenomatous polyposis. Last evaluated: 2024-01-11. Review status: criteria provided, single submitter. Criteria: ACMG Guidelines, 2015. Collection method: clinical testing. Allele origin: germline. Inheritance: Autosomal dominant inheritance. Observed: 1 variant allele, 1 heterozygote.
Comment: This study involves interpretation of variants in research participants for the purpose of population health screening. Participant phenotype was not available at the time of variant classification. Additional details can be found in publication PMID: 35346344, PMCID: PMC8962531

Quest Diagnostics Nichols Institute San Juan Capistrano
Classification: Uncertain significance. Last evaluated: 2019-11-12. Review status: criteria provided, single submitter. Criteria: Quest Diagnostics criteria. Collection method: clinical testing. Allele origin: unknown.

3DMed Clinical Laboratory Inc
Classification: Uncertain significance for Neoplasm of stomach. Last evaluated: 2017-08-26. Review status: no assertion criteria provided. Criteria: ACMG Guidelines, 2015. Collection method: clinical testing. Allele origin: germline. Affected: yes. Not counted in ClinVar's aggregate classification.